The following is an entry in ClinVar:

NM_001256789.3(CACNA1F):c.1153C>T (p.Arg385Cys)

Gene: CACNA1F (calcium voltage-gated channel subunit alpha1 F; minus strand). Cytogenetic location: Xp11.23.
Variant type: single nucleotide variant.
Coding change: c.1153C>T on transcript NM_001256789.3 (MANE Select); coding-DNA position 1153, C replaced by T.
Protein change: p.Arg385Cys; replaces arginine 385 with cysteine.
Molecular consequence: missense variant.
Genome position (GRCh38, 1-based): chrX:49,227,093, G>A on the plus strand (C>T on the coding strand, the complement: CACNA1F is on the minus strand). VCF-style: chrX-49227093-G-A. GRCh37 (hg19) VCF-style: chrX-49083555-G-A.
Other names: c.958C>T, p.Arg320Cys (NM_001256790.3); c.1153C>T, p.Arg385Cys (NM_005183.4); short protein forms R320C, R385C.
Identifiers: ClinVar variation 1468457 (VCV001468457.6), dbSNP rs1443829899, ClinGen allele CA412919268.

ClinVar aggregate classification (germline): Uncertain significance (1 of 4 stars; one submission).

Allele frequency attached by ClinVar (database versions not stated): gnomAD exomes 0.00001; TOPMed 0.00002.

Submission:

Labcorp Genetics (formerly Invitae), Labcorp
Classification: Uncertain significance. Last evaluated: 2022-10-04. Review status: criteria provided, single submitter. Criteria: Invitae Variant Classification Sherloc (09022015). Collection method: clinical testing. Allele origin: germline.
Comment: This sequence change replaces arginine, which is basic and polar, with cysteine, which is neutral and slightly polar, at codon 385 of the CACNA1F protein (p.Arg385Cys). In summary, the available evidence is currently insufficient to determine the role of this variant in disease. Therefore, it has been classified as a Variant of Uncertain Significance. Advanced modeling of protein sequence and biophysical properties (such as structural, functional, and spatial information, amino acid conservation, physicochemical variation, residue mobility, and thermodynamic stability) performed at Invitae indicates that this missense variant is expected to disrupt CACNA1F protein function. This variant has not been reported in the literature in individuals affected with CACNA1F-related conditions. The frequency data for this variant in the population databases is considered unreliable, as metrics indicate poor data quality at this position in the gnomAD database.